The following is an entry in ClinVar:

ClinVar aggregate classification (germline): Uncertain significance. Review status: criteria provided, multiple submitters, no conflicts (2 of 4 stars). 8 submissions from 8 submitters: Uncertain significance (7). 1 of the submissions does not count toward it. Last evaluated 2025-12-01.

Conditions:
Hereditary cancer-predisposing syndrome. Also called: Tumor predisposition; Neoplastic Syndromes, Hereditary; Hereditary Cancer Syndrome; Hereditary neoplastic syndrome. Identifiers: Orphanet 140162, MedGen C0027672, MeSH D009386, MONDO:0015356.
Familial cancer of breast. Also called: BREAST CANCER, FAMILIAL; Hereditary breast cancer; hereditary breast carcinoma. Identifiers: Orphanet 227535, MedGen C0346153, MONDO:0016419, OMIM 114480. Disease mechanism: loss of function.
Ataxia-telangiectasia syndrome (AT). Also called: Cerebello-oculocutaneous telangiectasia; Immunodeficiency with ataxia telangiectasia; ATAXIA-TELANGIECTASIA, COMPLEMENTATION GROUP A; Ataxia-telangiectasia, complementation group D; AT, COMPLEMENTATION GROUP C; ATAXIA-TELANGIECTASIA, FRESNO VARIANT. Identifiers: Orphanet 100, MedGen C0004135, MONDO:0008840, OMIM 208900.

Submissions (8):

KCCC/NGS Laboratory, Kuwait Cancer Control Center
Classification: Uncertain significance for Familial cancer of breast. Last evaluated: 2025-12-01. Review status: criteria provided, single submitter. Criteria: ACMG Guidelines, 2015. Collection method: clinical testing. Allele origin: germline. Inheritance: Autosomal dominant inheritance. Affected: yes.
Comment: the available evidence is currently insufficient to determine the role of this variant in disease. Therefore, it has been classified as a Variant of Uncertain Significance. The diagnosis of hereditary cancer syndrome is not confirmed.

Ambry Genetics
Classification: Uncertain significance for Hereditary cancer-predisposing syndrome. Last evaluated: 2025-08-26. Review status: criteria provided, single submitter. Criteria: Ambry Variant Classification Scheme 2023. Collection method: clinical testing. Allele origin: germline.
Comment: The c.1219_1221dupTTT variant (also known as p.F407dup), located in coding exon 8 of the ATM gene, results from an in-frame duplication of TTT at nucleotide positions 1219 to 1221. This results in the duplication of an extra phenylalanine residue between codons 407 and 408. This amino acid position is highly conserved in available vertebrate species. In addition, the in silico prediction for this alteration is inconclusive (Choi Y et al. PLoS ONE. 2012; 7(10):e46688). Since supporting evidence is limited at this time, the clinical significance of this alteration remains unclear.

Labcorp Genetics (formerly Invitae), Labcorp
Classification: Uncertain significance for Ataxia-telangiectasia syndrome. Last evaluated: 2025-06-27. Review status: criteria provided, single submitter. Criteria: Invitae Variant Classification Sherloc (09022015). Collection method: clinical testing. Allele origin: germline.
Comment: This variant, c.1219_1221dup, results in the insertion of 1 amino acid(s) of the ATM protein (p.Phe407dup), but otherwise preserves the integrity of the reading frame. This variant is not present in population databases (gnomAD no frequency). This variant has not been reported in the literature in individuals affected with ATM-related conditions. This variant has been observed on the opposite chromosome (in trans) from a pathogenic variant in ATM in at least one individual (internal data), which suggests that this variant may not be disease-causing. ClinVar contains an entry for this variant (Variation ID: 479099). Experimental studies and prediction algorithms are not available or were not evaluated, and the functional significance of this variant is currently unknown. RNA analysis performed to evaluate the impact of this variant on mRNA splicing indicates it does not significantly alter splicing (internal data). In summary, the available evidence is currently insufficient to determine the role of this variant in disease. Therefore, it has been classified as a Variant of Uncertain Significance.

Quest Diagnostics Nichols Institute San Juan Capistrano
Classification: Uncertain significance. Last evaluated: 2024-10-23. Review status: criteria provided, single submitter. Criteria: Quest Diagnostics criteria. Collection method: clinical testing. Allele origin: unknown.
Comment: The ATM c.1219_1221dup (p.Phe407dup) variant has not been reported in individuals with ATM-related conditions in the published literature. The frequency of this variant in the general population, 0.0000066 (1/152114 chromosomes (Genome Aggregation Database)), is uninformative in the assessment of its pathogenicity. Based on the available information, we are unable to determine the clinical significance of this variant.

Color Diagnostics, LLC DBA Color Health
Classification: Uncertain significance for Hereditary cancer-predisposing syndrome. Last evaluated: 2024-01-22. Review status: criteria provided, single submitter. Criteria: ACMG Guidelines, 2015. Collection method: clinical testing. Allele origin: germline.
Comment: This variant causes an insertion of 1 amino acid in exon 9 of the ATM protein. To our knowledge, functional studies have not been reported for this variant. This variant has not been reported in individuals affected with ATM-related disorders in the literature. This variant has not been identified in the general population by the Genome Aggregation Database (gnomAD). The available evidence is insufficient to determine the role of this variant in disease conclusively. Therefore, this variant is classified as a Variant of Uncertain Significance.

Baylor Genetics
Classification: Uncertain significance for Familial cancer of breast. Last evaluated: 2023-06-06. Review status: criteria provided, single submitter. Criteria: ACMG Guidelines, 2015. Collection method: clinical testing. Allele origin: unknown.

Athena Diagnostics
Classification: Uncertain significance. Last evaluated: 2022-07-15. Review status: criteria provided, single submitter. Criteria: Athena Diagnostics Criteria. Collection method: clinical testing. Allele origin: unknown.

Natera, Inc.
Classification: Uncertain significance for Ataxia-telangiectasia. Last evaluated: 2020-08-14. Review status: no assertion criteria provided. Collection method: clinical testing. Allele origin: germline. Not counted in ClinVar's aggregate classification.

NM_000051.4(ATM):c.1219_1221dup (p.Phe407dup)

Gene: ATM (ATM serine/threonine kinase; plus strand). Cytogenetic location: 11q22.3.
Variant type: Duplication.
Coding change: c.1219_1221dup on transcript NM_000051.4 (MANE Select); coding-DNA positions 1219 to 1221, 3 bases duplicated (TTT; older notation c.1219_1221dupTTT).
Protein change: p.Phe407dup; duplicates phenylalanine 407.
Molecular consequence: inframe insertion.
Genome position (GRCh38, 1-based): chr11:108,249,086-108,249,088, TTT duplicated; duplicating any 3 consecutive bases within chr11:108,249,085-108,249,088 gives the same sequence; the c. name uses the placement nearest the transcript's 3' end. VCF-style (leftmost placement, unchanged base first): chr11-108249084-A-ATTT. GRCh37 (hg19) VCF-style: chr11-108119811-A-ATTT.
Other names: c.1219_1221dup, p.Phe407dup (NM_001351834.2); c.1219_1221dupTTT (NM_000051.3); c.1221_1222insTTT (NM_000051.3).
Identifiers: ClinVar variation 479099 (VCV000479099.29), dbSNP rs1064792998, ClinGen allele CA658656223.